The following is an entry in ClinVar:

ClinVar aggregate classification (germline): Uncertain significance (1 of 4 stars; one submission).

Conditions:
Hermansky-Pudlak syndrome 5 (HPS5). Identifiers: Orphanet 231512, Orphanet 79430, MedGen C3888004, MONDO:0013557, OMIM 614074.

Submission:

Dasa
Classification: Uncertain significance for Hermansky-Pudlak syndrome 5. Last evaluated: 2025-07-12. Review status: criteria provided, single submitter. Criteria: DASA Assertion Criteria. Collection method: clinical testing. Allele origin: germline.
Comment: NM_181507.2(HPS5):c.1784+5G>C is a splice-region variant predicted to affect normal RNA splicing. This variant is absent from population databases. Computational prediction algorithms are consistent with a deleterious effect. The currently available literature and clinical evidence are not sufficient to establish a definitive association between this variant and the reported condition. Therefore, this variant is classified as a variant of uncertain significance.

NM_181507.2(HPS5):c.1784+5G>C

Gene: HPS5 (HPS5 biogenesis of lysosomal organelles complex 2 subunit 2; minus strand). Cytogenetic location: 11p15.1.
Variant type: single nucleotide variant.
Coding change: c.1784+5G>C on transcript NM_181507.2 (MANE Select); 5 bases into the intron after coding-DNA position 1784, G replaced by C.
Molecular consequence: intron variant.
Genome position (GRCh38, 1-based): chr11:18,295,015, C>G on the plus strand (G>C on the coding strand, the complement: HPS5 is on the minus strand). VCF-style: chr11-18295015-C-G. GRCh37 (hg19) VCF-style: chr11-18316562-C-G.
Other names: c.1370+5G>C (NM_001440929.1, NM_001440928.1, NM_001440927.1); c.1442+5G>C (NM_181508.2, NM_001440921.1, NM_001440926.1 and 7 more transcripts); c.1673+5G>C (NM_001440915.1, NM_001440914.1, NM_001440913.1); c.1784+5G>C (NM_001440931.1, NM_001440917.1, NM_001440906.1 and 5 more transcripts); c.1709+5G>C (NM_001440907.1, NM_001440909.1, NM_001440908.1); c.1571+5G>C (NM_001440919.1); c.1598+5G>C (NM_001440918.1).
Identifiers: ClinVar variation 4882704 (VCV004882704.2).